The following is an entry in ClinVar:

NM_001042492.3(NF1):c.4993G>A (p.Val1665Ile)

Gene: NF1 (neurofibromin 1; plus strand). Cytogenetic location: 17q11.2.
Variant type: single nucleotide variant.
Coding change: c.4993G>A on transcript NM_001042492.3 (MANE Select); coding-DNA position 4993, G replaced by A.
Protein change: p.Val1665Ile; replaces valine 1665 with isoleucine.
Molecular consequence: missense variant.
Genome position (GRCh38, 1-based): chr17:31,325,977, G>A. VCF-style: chr17-31325977-G-A. GRCh37 (hg19) VCF-style: chr17-29652995-G-A.
Other names: c.4930G>A, p.Val1644Ile (NM_000267.4); short protein forms V1665I, V1644I.
Identifiers: ClinVar variation 5025550 (VCV005025550.1).
Genomic context (GRCh38, chr17:31,325,977, plus strand): 5'-CTTACCCATACCGGGCCTAGCAATCGCTTTAAAACAGACTTTCTCTCTAAGTGGTTTGTT[G>A]TTTTTCCTGGCTTTGCTTACGACAACGTCTCCGCAGTCTATATCTATAACTGTAACTCCT-3'
Protein context (NP_001035957.1, residues 1655-1675): KTDFLSKWFV[Val1665Ile]FPGFAYDNVS

ClinVar aggregate classification (germline): Uncertain significance (1 of 4 stars; one submission).

Conditions:
Cardiovascular phenotype. Identifiers: MedGen CN230736.
Hereditary cancer-predisposing syndrome. Also called: Neoplastic Syndromes, Hereditary; Tumor predisposition; Hereditary neoplastic syndrome; Hereditary Cancer Syndrome. Identifiers: Orphanet 140162, MedGen C0027672, MeSH D009386, MONDO:0015356.

Submission:

Ambry Genetics
Classification: Uncertain significance for Cardiovascular phenotype; Hereditary cancer-predisposing syndrome. Last evaluated: 2026-07-06. Review status: criteria provided, single submitter. Criteria: Ambry Variant Classification Scheme 2023. Collection method: clinical testing. Allele origin: germline.
Comment: The p.V1644I variant (also known as c.4930G>A), located in coding exon 36 of the NF1 gene, results from a G to A substitution at nucleotide position 4930. The valine at codon 1644 is replaced by isoleucine, an amino acid with highly similar properties. This amino acid position is highly conserved in available vertebrate species. In addition, this alteration is predicted to be tolerated by in silico analysis. Based on the available evidence, the clinical significance of this variant remains unclear.